The following is an entry in ClinVar:

NM_001171613.2(PREPL):c.981dup (p.Tyr328fs)

Gene: PREPL (prolyl endopeptidase like; minus strand). Cytogenetic location: 2p21.
Variant type: Duplication.
Coding change: c.981dup on transcript NM_001171613.2 (MANE Select); coding-DNA position 981, one base duplicated (A; older notation c.981dupA).
Protein change: p.Tyr328fs; shifts the reading frame from tyrosine 328.
Molecular consequence: frameshift variant. On other transcripts: intron variant (1).
Genome position (GRCh38, 1-based): chr2:44,332,564, T duplicated on the plus strand (A on the coding strand, the reverse complement: PREPL is on the minus strand); the first of 4 consecutive T bases (chr2:44,332,564-44,332,567); duplicating any one gives the same sequence. VCF-style (leftmost placement, unchanged base first): chr2-44332563-A-AT. GRCh37 (hg19) VCF-style: chr2-44559702-A-AT.
Other names: c.1062dup, p.Tyr355fs (NM_001042385.2); c.1248dup, p.Tyr417fs (NM_001171603.1, NM_001171606.2, NM_001374275.1 and 2 more transcripts); c.981dup, p.Tyr328fs (NM_001171617.1, NM_001374277.1); c.1156-3452dup (NM_001042386.2); c.1248dupA (NM_006036.4); short protein forms Y328fs, Y355fs, Y417fs.
Identifiers: ClinVar variation 524111 (VCV000524111.3), dbSNP rs1553354962, ClinGen allele CA658795721.

ClinVar aggregate classification (germline): Pathogenic/Likely pathogenic. Review status: criteria provided, multiple submitters, no conflicts (2 of 4 stars). 2 submissions from 2 submitters: Pathogenic (1); Likely pathogenic (1). Last evaluated 2018-11-16.

Conditions:
Myasthenic syndrome, congenital, 22 (CMS22). Also called: PREPL DEFICIENCY. Identifiers: MedGen C4479088, MONDO:0044299, OMIM 616224.

Submissions (2):

Institute of Human Genetics, University of Leipzig Medical Center
Classification: Likely pathogenic for Myasthenic syndrome, congenital, 22. Last evaluated: 2018-11-16. Review status: criteria provided, single submitter. Criteria: ACMG Guidelines, 2015. Collection method: clinical testing. Allele origin: germline. Affected: yes. Observed: 1 variant allele.
Comment: This variant was identified as homozygous

GeneDx
Classification: Pathogenic. Last evaluated: 2018-04-16. Review status: criteria provided, single submitter. Criteria: GeneDx Variant Classification (06012015). Collection method: clinical testing. Allele origin: germline. Affected: yes.
Comment: The c.1248dupA pathogenic variant in the PREPL gene has not been reported previously as a pathogenic variant, nor as a benign variant, to our knowledge. The c.1248dupA variant causes a frameshift starting with codon Tyrosine 417, changes this amino acid to a Isoleucine residue, and creates a premature Stop codon at position 13 of the new reading frame, denoted p.Tyr417IlefsX13. This variant is predicted to cause loss of normal protein function either through protein truncation or nonsense-mediated mRNA decay. The c.1248dupA variant is not observed in large population cohorts (Lek et al., 2016). We interpret c.1248dupA as a pathogenic variant.